The following is an entry in ClinVar:

ClinVar aggregate classification (germline): Uncertain significance (1 of 4 stars; one submission).

Submission:

GeneDx
Classification: Uncertain significance. Last evaluated: 2025-04-07. Review status: criteria provided, single submitter. Criteria: GeneDx Variant Classification Process June 2021. Collection method: clinical testing. Allele origin: germline. Affected: yes.
Comment: Not observed at significant frequency in large population cohorts (gnomAD); In silico analysis supports that this missense variant has a deleterious effect on protein structure/function; Has not been previously published as pathogenic or benign to our knowledge

NM_001039591.3(USP9X):c.2630T>A (p.Met877Lys)

Gene: USP9X (ubiquitin specific peptidase 9 X-linked; plus strand). Cytogenetic location: Xp11.4.
Variant type: single nucleotide variant.
Coding change: c.2630T>A on transcript NM_001039591.3 (MANE Select); coding-DNA position 2630, T replaced by A.
Protein change: p.Met877Lys; replaces methionine 877 with lysine.
Molecular consequence: missense variant.
Genome position (GRCh38, 1-based): chrX:41,168,212, T>A. VCF-style: chrX-41168212-T-A. GRCh37 (hg19) VCF-style: chrX-41027465-T-A.
Other names: c.2630T>A, p.Met877Lys (NM_001039590.3); c.2645T>A, p.Met882Lys (NM_001410748.1, NM_001410749.1, NM_001437534.1); short protein forms M877K, M882K.
Identifiers: ClinVar variation 4281816 (VCV004281816.1).
Genomic context (GRCh38, chrX:41,168,212, plus strand): 5'-TAAGGGAATATATAAATGAATGTGACAGTGATTATCATGAGGAAAGAACAATTCTCCCTA[T>A]GTCGAGGTTTGTGAATAACTAATCTATTGGTGCTAATTCTTAATTATTTGATATTTTCCT-3'
Protein context (NP_001034680.2, residues 867-887): DYHEERTILP[Met877Lys]SRAFRGKHLS